The following is an entry in ClinVar:

ClinVar aggregate classification (germline): Likely benign (0 of 4 stars; one submission).

Conditions:
COL15A1-related disorder. Also called: COL15A1-related condition.

Allele frequency attached by ClinVar (database versions not stated): ExAC 0.00002; TOPMed 0.00004.
gnomAD v4.1: 35 of 1,600,518 alleles (0.0022%); highest among the groups gnomAD compares: Admixed American, 0.018%; no homozygotes.

Submission:

PreventionGenetics, part of Exact Sciences
Classification: Likely benign for COL15A1-related condition. Last evaluated: 2019-03-25. Review status: no assertion criteria provided. Collection method: clinical testing. Allele origin: germline.
Comment: This variant is classified as likely benign based on ACMG/AMP sequence variant interpretation guidelines (Richards et al. 2015 PMID: 25741868, with internal and published modifications).

NM_001855.5(COL15A1):c.1023C>T (p.Ser341=)

Gene: COL15A1 (collagen type XV alpha 1 chain; plus strand). Cytogenetic location: 9q22.33.
Variant type: single nucleotide variant.
Coding change: c.1023C>T on transcript NM_001855.5 (MANE Select); coding-DNA position 1023, C replaced by T.
Protein change: p.Ser341=; no amino-acid change (serine 341 retained).
Molecular consequence: synonymous variant.
Genome position (GRCh38, 1-based): chr9:99,000,909, C>T. VCF-style: chr9-99000909-C-T. GRCh37 (hg19) VCF-style: chr9-101763191-C-T.
Identifiers: ClinVar variation 3046387 (VCV003046387.2), dbSNP rs778982631, ClinGen allele CA5154759.